The following is an entry in ClinVar:

NM_032620.4(GTPBP3):c.746G>A (p.Gly249Glu)

Gene: GTPBP3 (GTP binding protein 3, mitochondrial; plus strand). Cytogenetic location: 19p13.11.
Variant type: single nucleotide variant.
Coding change: c.746G>A on transcript NM_032620.4 (MANE Select); coding-DNA position 746, G replaced by A.
Protein change: p.Gly249Glu; replaces glycine 249 with glutamic acid.
Molecular consequence: missense variant.
Genome position (GRCh38, 1-based): chr19:17,339,204, G>A. VCF-style: chr19-17339204-G-A. GRCh37 (hg19) VCF-style: chr19-17450013-G-A.
Other names: c.746G>A, p.Gly249Glu (NM_001128855.3); c.812G>A, p.Gly271Glu (NM_001195422.1); c.842G>A, p.Gly281Glu (NM_133644.4); short protein forms G271E, G249E, G281E.
Identifiers: ClinVar variation 1395383 (VCV001395383.8), dbSNP rs775371901, ClinGen allele CA404736908.

ClinVar aggregate classification (germline): Uncertain significance (1 of 4 stars; one submission).

Submission:

Labcorp Genetics (formerly Invitae), Labcorp
Classification: Uncertain significance. Last evaluated: 2024-01-02. Review status: criteria provided, single submitter. Criteria: Invitae Variant Classification Sherloc (09022015). Collection method: clinical testing. Allele origin: germline.
Comment: This sequence change replaces glycine, which is neutral and non-polar, with glutamic acid, which is acidic and polar, at codon 281 of the GTPBP3 protein (p.Gly281Glu). This variant is not present in population databases (gnomAD no frequency). This variant has not been reported in the literature in individuals affected with GTPBP3-related conditions. ClinVar contains an entry for this variant (Variation ID: 1395383). Advanced modeling of protein sequence and biophysical properties (such as structural, functional, and spatial information, amino acid conservation, physicochemical variation, residue mobility, and thermodynamic stability) performed at Invitae indicates that this missense variant is expected to disrupt GTPBP3 protein function with a positive predictive value of 80%. In summary, the available evidence is currently insufficient to determine the role of this variant in disease. Therefore, it has been classified as a Variant of Uncertain Significance.